The following is an entry in ClinVar:

ClinVar aggregate classification (germline): Likely benign. Review status: criteria provided, single submitter (1 of 4 stars). 2 submissions from 2 submitters: Likely benign (1). 1 of the submissions does not count toward it. Last evaluated 2024-02-06.

Conditions:
Bardet-Biedl syndrome (BBS). Identifiers: Orphanet 110, MedGen C0752166, MONDO:0015229.
BBS9-related disorder. Also called: BBS9-related condition.

Allele frequency attached by ClinVar (database versions not stated): gnomAD exomes 0.00001.
gnomAD v4.1: 9 of 1,613,608 alleles (0.00056%); highest among the groups gnomAD compares: East Asian, 0.0022%; no homozygotes.

Submissions (2):

Labcorp Genetics (formerly Invitae), Labcorp
Classification: Likely benign for Bardet-Biedl syndrome. Last evaluated: 2024-02-06. Review status: criteria provided, single submitter. Criteria: Invitae Variant Classification Sherloc (09022015). Collection method: clinical testing. Allele origin: germline.

PreventionGenetics, part of Exact Sciences
Classification: Likely benign for BBS9-related condition. Last evaluated: 2023-05-08. Review status: no assertion criteria provided. Collection method: clinical testing. Allele origin: germline. Not counted in ClinVar's aggregate classification.
Comment: This variant is classified as likely benign based on ACMG/AMP sequence variant interpretation guidelines (Richards et al. 2015 PMID: 25741868, with internal and published modifications).

NM_198428.3(BBS9):c.768G>A (p.Ser256=)

Gene: BBS9 (Bardet-Biedl syndrome 9; plus strand). Cytogenetic location: 7p14.3.
Variant type: single nucleotide variant.
Coding change: c.768G>A on transcript NM_198428.3 (MANE Select); coding-DNA position 768, G replaced by A.
Protein change: p.Ser256=; no amino-acid change (serine 256 retained).
Molecular consequence: synonymous variant. On other transcripts: non-coding transcript variant (3).
Genome position (GRCh38, 1-based): chr7:33,273,077, G>A. VCF-style: chr7-33273077-G-A. GRCh37 (hg19) VCF-style: chr7-33312689-G-A.
Other names: c.768G>A, p.Ser256= (NM_001033604.2, NM_001033605.2, NM_001348036.1 and 7 more transcripts); c.402G>A, p.Ser134= (NM_001348037.3, NM_001348044.3, NM_001348045.3 and 1 more transcripts); c.495G>A, p.Ser165= (NM_001348038.3, NM_001348039.3); c.633G>A, p.Ser211= (NM_001348042.3); c.768G>A (NM_198428.2).
Identifiers: ClinVar variation 2733668 (VCV002733668.4), dbSNP rs1407517506, ClinGen allele CA454458609.